The following is an entry in ClinVar:

ClinVar aggregate classification (germline): Uncertain significance. Review status: criteria provided, multiple submitters, no conflicts (2 of 4 stars). 2 submissions from 2 submitters: Uncertain significance (2). Last evaluated 2024-04-05.

Conditions:
Rubinstein-Taybi syndrome (RSTS). Identifiers: Orphanet 783, MedGen C0035934, MONDO:0019188.
Menke-Hennekam syndrome 1 (MKHK1). Identifiers: MedGen C5193034, MONDO:0020763, OMIM 618332.
Rubinstein-Taybi syndrome due to CREBBP mutations (RSTS1). Also called: CREBBP-Related Rubinstein-Taybi Syndrome; BROAD THUMB-HALLUX SYNDROME; RUBINSTEIN SYNDROME; BROAD THUMBS AND GREAT TOES, CHARACTERISTIC FACIES, AND IMPAIRED INTELLECTUAL DEVELOPMENT; RUBINSTEIN-TAYBI SYNDROME 1, INCOMPLETE; Rubinstein-Taybi syndrome 1. Identifiers: Orphanet 353277, Orphanet 783, MedGen C4551859, MONDO:0008393, OMIM 180849.

Submissions (2):

Labcorp Genetics (formerly Invitae), Labcorp
Classification: Uncertain significance for Rubinstein-Taybi syndrome. Last evaluated: 2024-04-05. Review status: criteria provided, single submitter. Criteria: Invitae Variant Classification Sherloc (09022015). Collection method: clinical testing. Allele origin: germline.
Comment: This sequence change replaces glutamic acid, which is acidic and polar, with lysine, which is basic and polar, at codon 594 of the CREBBP protein (p.Glu594Lys). This variant is not present in population databases (gnomAD no frequency). This missense change has been observed in individual(s) with clinical features of CREBBP-related conditions (PMID: 30029678). This variant is also known as c.G1666A (p.E556K). Advanced modeling of protein sequence and biophysical properties (such as structural, functional, and spatial information, amino acid conservation, physicochemical variation, residue mobility, and thermodynamic stability) performed at Invitae indicates that this missense variant is expected to disrupt CREBBP protein function with a positive predictive value of 80%. In summary, the available evidence is currently insufficient to determine the role of this variant in disease. Therefore, it has been classified as a Variant of Uncertain Significance.

Juno Genomics, Hangzhou Juno Genomics, Inc
Classification: Uncertain significance for Menke-Hennekam syndrome 1; Rubinstein-Taybi syndrome due to CREBBP mutations. Review status: criteria provided, single submitter. Criteria: ACMG Guidelines, 2015. Collection method: clinical testing. Allele origin: germline. Affected: yes.
Comment: Absent from controls (or at extremely low frequency if recessive) in Genome Aggregation Database, Exome Sequencing Project, 1000 Genomes Project, or Exome Aggregation Consortium.;Multiple lines of computational evidence support a deleterious effect on the gene or gene product (conservation, evolutionary, splicing impact, etc).;Missense variant in a gene that has a low rate of benign missense variation and where missense variants are a common mechanism of disease.;De novo (both maternity and paternity confirmed) in a patient with the disease and no family history.

Literature cited by the submitters: PubMed 30029678 (cited by Labcorp Genetics (formerly Invitae), Labcorp).

NM_004380.3(CREBBP):c.1780G>A (p.Glu594Lys)

Gene: CREBBP (CREB binding lysine acetyltransferase; minus strand). Cytogenetic location: 16p13.3.
Variant type: single nucleotide variant.
Coding change: c.1780G>A on transcript NM_004380.3 (MANE Select); coding-DNA position 1780, G replaced by A.
Protein change: p.Glu594Lys; replaces glutamic acid 594 with lysine.
Molecular consequence: missense variant.
Genome position (GRCh38, 1-based): chr16:3,780,775, C>T on the plus strand (G>A on the coding strand, the complement: CREBBP is on the minus strand). VCF-style: chr16-3780775-C-T. GRCh37 (hg19) VCF-style: chr16-3830776-C-T.
Other names: c.1666G>A, p.Glu556Lys (NM_001079846.1); short protein forms E556K, E594K.
Identifiers: ClinVar variation 3382693 (VCV003382693.4).